The following is an entry in ClinVar:

ClinVar aggregate classification (germline): Likely pathogenic. Review status: criteria provided, multiple submitters, no conflicts (2 of 4 stars). 2 submissions from 2 submitters: Likely pathogenic (2). Last evaluated 2025-12-03.

Conditions:
ABCA4-related disorder. Also called: ABCA4-related disorders; ABCA4-related condition. Identifiers: MedGen CN239167.

Submissions (2):

Labcorp Genetics (formerly Invitae), Labcorp
Classification: Likely pathogenic. Last evaluated: 2025-12-03. Review status: criteria provided, single submitter. Criteria: Invitae Variant Classification Sherloc (09022015). Collection method: clinical testing. Allele origin: germline.
Comment: This sequence change replaces alanine, which is neutral and non-polar, with threonine, which is neutral and polar, at codon 595 of the ABCA4 protein (p.Ala595Thr). This variant is not present in population databases (gnomAD no frequency). This missense change has been observed in individual(s) with Stargardt disease (PMID: 28704108, 35120629). ClinVar contains an entry for this variant (Variation ID: 1510753). Invitae Evidence Modeling of protein sequence and biophysical properties (such as structural, functional, and spatial information, amino acid conservation, physicochemical variation, residue mobility, and thermodynamic stability) indicates that this missense variant is expected to disrupt ABCA4 protein function with a positive predictive value of 95%. In summary, the currently available evidence indicates that the variant is pathogenic, but additional data are needed to prove that conclusively. Therefore, this variant has been classified as Likely Pathogenic.

Blueprint Genetics
Classification: Likely pathogenic for ABCA4-related disorders. Last evaluated: 2022-10-10. Review status: criteria provided, single submitter. Criteria: ACMG Guidelines, 2015. Collection method: clinical testing. Allele origin: germline. Affected: yes. Observed: 2 variant alleles.

Literature cited by the submitters: PubMed 28704108 (cited by Labcorp Genetics (formerly Invitae), Labcorp); PubMed 35120629 (cited by Labcorp Genetics (formerly Invitae), Labcorp).

NM_000350.3(ABCA4):c.1783G>A (p.Ala595Thr)

Gene: ABCA4 (ATP binding cassette subfamily A member 4; minus strand). Cytogenetic location: 1p22.1.
Variant type: single nucleotide variant.
Coding change: c.1783G>A on transcript NM_000350.3 (MANE Select); coding-DNA position 1783, G replaced by A.
Protein change: p.Ala595Thr; replaces alanine 595 with threonine.
Molecular consequence: missense variant.
Genome position (GRCh38, 1-based): chr1:94,062,731, C>T on the plus strand (G>A on the coding strand, the complement: ABCA4 is on the minus strand). VCF-style: chr1-94062731-C-T. GRCh37 (hg19) VCF-style: chr1-94528287-C-T.
Other names: c.1783G>A, p.Ala595Thr (NM_001425324.1); short protein forms A595T.
Identifiers: ClinVar variation 1510753 (VCV001510753.9), dbSNP rs2101078458, ClinGen allele CA341279749.